The following is an entry in ClinVar:

NM_000264.5(PTCH1):c.-4_-2dup

Genes: PTCH1 (patched 1; minus strand), LOC130002133 (ATAC-STARR-seq lymphoblastoid silent region 20071; plus strand). Cytogenetic location: 9q22.32.
Variant type: Duplication.
Coding change: c.-4_-2dup on transcript NM_000264.5 (MANE Select); 4 bases upstream of the start codon through 2 bases upstream of the start codon, 3 bases duplicated (ACA; older notation c.-4_-2dupACA).
Molecular consequence: inframe insertion, initiator codon variant. On other transcripts: non-coding transcript variant (1), intron variant (3).
Genome position (GRCh38, 1-based): chr9:95,508,361-95,508,363, TGT duplicated on the plus strand (ACA on the coding strand, the reverse complement: PTCH1 is on the minus strand); duplicating any 3 consecutive bases within chr9:95,508,361-95,508,365 gives the same sequence; the c. name uses the placement nearest the transcript's 3' end. VCF-style (leftmost placement, unchanged base first): chr9-95508360-A-ATGT. GRCh37 (hg19) VCF-style: chr9-98270642-A-ATGT.
Other names: c.-4_-2dup (NM_001354918.2); c.199-1764_199-1762dup (NM_001083603.3); c.4-1764_4-1762dup (NM_001083602.3, NM_001354919.2); c.-2_1dupACA (NM_000264.3).
Identifiers: ClinVar variation 1498733 (VCV001498733.10), dbSNP rs1843916701, ClinGen allele CA1865612583.

ClinVar aggregate classification (germline): Uncertain significance. Review status: criteria provided, multiple submitters, no conflicts (2 of 4 stars). 2 submissions from 2 submitters: Uncertain significance (2). Last evaluated 2024-05-09.

Conditions:
Hereditary cancer-predisposing syndrome. Also called: Tumor predisposition; Hereditary neoplastic syndrome; Neoplastic Syndromes, Hereditary; Hereditary Cancer Syndrome. Identifiers: Orphanet 140162, MedGen C0027672, MeSH D009386, MONDO:0015356.
Gorlin syndrome. Also called: Nevoid Basal Cell Carcinoma Syndrome; Basal cell nevus syndrome. Identifiers: Orphanet 377, MedGen C0004779, MONDO:0007187.

Submissions (2):

Ambry Genetics
Classification: Uncertain significance for Hereditary cancer-predisposing syndrome. Last evaluated: 2024-05-09. Review status: criteria provided, single submitter. Criteria: Ambry Variant Classification Scheme 2023. Collection method: clinical testing. Allele origin: germline.
Comment: The c.-2_1dupACA variant spans from the 5' untranslated region (5&rsquo;UTR) and into coding exon 1 of the PTCH1 gene. This variant results from a duplication of 3 nucleotides from positions -2 to 1 in the PTCH1 gene, but does not alter the methionine at the first translated codon. This nucleotide region is well conserved in available vertebrate species. Based on the available evidence, the clinical significance of this variant remains unclear.

Labcorp Genetics (formerly Invitae), Labcorp
Classification: Uncertain significance for Gorlin syndrome. Last evaluated: 2021-10-02. Review status: criteria provided, single submitter. Criteria: Invitae Variant Classification Sherloc (09022015). Collection method: clinical testing. Allele origin: germline.
Comment: In summary, the available evidence is currently insufficient to determine the role of this variant in disease. Therefore, it has been classified as a Variant of Uncertain Significance. Experimental studies and prediction algorithms are not available or were not evaluated, and the functional significance of this variant is currently unknown. This variant has not been reported in the literature in individuals affected with PTCH1-related conditions. The frequency data for this variant in the population databases is considered unreliable, as metrics indicate insufficient coverage at this position in the ExAC database. This sequence change results in the duplication of one nucleotide from exon 1 of the PTCH1 mRNA (c.-2_1dup), affecting the initiator methionine. However, the integrity of the initiator methionine is expected to be preserved.